The following is an entry in ClinVar:

NM_005257.6(GATA6):c.675G>T (p.Trp225Cys)

Gene: GATA6 (GATA binding protein 6; plus strand). Cytogenetic location: 18q11.2.
Variant type: single nucleotide variant.
Coding change: c.675G>T on transcript NM_005257.6 (MANE Select); coding-DNA position 675, G replaced by T.
Protein change: p.Trp225Cys; replaces tryptophan 225 with cysteine.
Molecular consequence: missense variant.
Genome position (GRCh38, 1-based): chr18:22,171,819, G>T. VCF-style: chr18-22171819-G-T. GRCh37 (hg19) VCF-style: chr18-19751780-G-T.
Other names: short protein forms W225C.
Identifiers: ClinVar variation 2500432 (VCV002500432.2), dbSNP rs2510626090, ClinGen allele CA401800463.
Genomic context (GRCh38, chr18:22,171,819, plus strand): 5'-GCAGGGGTCGGGCAGTGGGCCAGCCAACCACGCGGGCGGCGCGGGCGCGCACCCCGGCTG[G>T]CCTCAGGCCTCGGCCGACAGCCCTCCATACGGCAGCGGAGGCGGCGCGGCTGGCGGCGGG-3'
Protein context (NP_005248.2, residues 215-235): HAGGAGAHPG[Trp225Cys]PQASADSPPY

ClinVar aggregate classification (germline): Uncertain significance (1 of 4 stars; one submission).

Submission:

GeneDx
Classification: Uncertain significance. Last evaluated: 2024-11-18. Review status: criteria provided, single submitter. Criteria: GeneDx Variant Classification Process June 2021. Collection method: clinical testing. Allele origin: germline.
Comment: Not observed at significant frequency in large population cohorts (gnomAD); In silico analysis supports that this missense variant has a deleterious effect on protein structure/function; Has not been previously published as pathogenic or benign to our knowledge